The following is an entry in ClinVar:

NM_014305.4(TGDS):c.313+1G>A

Gene: TGDS (TDP-glucose 4,6-dehydratase; minus strand). Cytogenetic location: 13q32.1.
Variant type: single nucleotide variant.
Coding change: c.313+1G>A on transcript NM_014305.4 (MANE Select); the canonical splice donor site of the intron after coding-DNA position 313, G replaced by A.
Molecular consequence: splice donor variant.
Genome position (GRCh38, 1-based): chr13:94,590,852, C>T on the plus strand (G>A on the coding strand, the complement: TGDS is on the minus strand). VCF-style: chr13-94590852-C-T. GRCh37 (hg19) VCF-style: chr13-95243106-C-T.
Other names: c.217+1G>A (NM_001304430.2).
Identifiers: ClinVar variation 1878395 (VCV001878395.2), dbSNP rs1889172738, ClinGen allele CA388396773.

ClinVar aggregate classification (germline): Pathogenic/Likely pathogenic. Review status: criteria provided, multiple submitters, no conflicts (2 of 4 stars). 2 submissions from 2 submitters: Pathogenic (1); Likely pathogenic (1). Last evaluated 2025-12-22.

Conditions:
Catel-Manzke syndrome. Also called: MICROGNATHIA DIGITAL SYNDROME; HYPERPHALANGY-CLINODACTYLY OF INDEX FINGER WITH PIERRE ROBIN SYNDROME; INDEX FINGER ANOMALY WITH PIERRE ROBIN SYNDROME; PIERRE ROBIN SYNDROME WITH HYPERPHALANGY AND CLINODACTYLY. Identifiers: Orphanet 1388, MedGen C1844887, MONDO:0014507, OMIM 616145.

Allele frequency attached by ClinVar (database versions not stated): gnomAD exomes below 0.00001; gnomAD 0.00001.
gnomAD v4.1: 3 of 1,564,078 alleles (0.00019%); highest among the groups gnomAD compares: Admixed American, 0.0022%; no homozygotes.

Submissions (2):

Dasa
Classification: Pathogenic. Last evaluated: 2025-12-22. Review status: criteria provided, single submitter. Criteria: DASA Assertion Criteria. Collection method: clinical testing. Allele origin: germline.
Comment: NM_014305.4(TGDS):c.313+1G>A introduces a premature termination codon predicted to result in loss of normal protein function. Loss-of-function is an established mechanism of disease for this gene. This variant has been observed in affected individuals with related phenotype in a genotype context consistent with recessive disease. The variant is present at low frequency in population datasets. Based on the available data, this variant is classified as pathogenic.

Women's Health and Genetics/Laboratory Corporation of America, LabCorp
Classification: Likely pathogenic for Catel-Manzke syndrome. Last evaluated: 2022-12-28. Review status: criteria provided, single submitter. Criteria: LabCorp Variant Classification Summary - May 2015. Collection method: clinical testing. Allele origin: germline.
Comment: Variant summary: TGDS c.313+1G>A is located in a canonical splice-site and is predicted to affect mRNA splicing resulting in a significantly altered protein due to either exon skipping, shortening, or inclusion of intronic material. Several computational tools predict a significant impact on normal splicing: Four predict the variant abolishes the canonical 5' splicing donor site. However, these predictions have yet to be confirmed by functional studies. At-least one loss of function variant has been associated with Catel-Manzke Syndrome in HGMD (PMID 25480037). The variant was absent in 209504 control chromosomes (gnomAD). To our knowledge, no occurrence of c.313+1G>A in individuals affected with Catel-Manzke Syndrome and no experimental evidence demonstrating its impact on protein function have been reported. No clinical diagnostic laboratories have submitted clinical-significance assessments for this variant to ClinVar after 2014. Based on the evidence outlined above, the variant was classified as likely pathogenic.